The following is an entry in ClinVar:

ClinVar aggregate classification (germline): Likely pathogenic (1 of 4 stars; one submission).

Conditions:
CTCF-related neurodevelopmental disorder. Also called: Intellectual disability-feeding difficulties-developmental delay-microcephaly syndrome; INTELLECTUAL DEVELOPMENTAL DISORDER, AUTOSOMAL DOMINANT 21. Identifiers: Orphanet 363611, MedGen C3809686, MONDO:0014213, OMIM 615502.

Submission:

Molecular Genetics Laboratory, Motol Hospital
Classification: Likely pathogenic for CTCF-related neurodevelopmental disorder. Last evaluated: 2024-12-13. Review status: criteria provided, single submitter. Criteria: ACMG Guidelines, 2015. Collection method: clinical testing. Allele origin: de novo. Affected: yes. Observed: 1 variant allele.
Comment: The variant was confirmed to be of a de novo origin. Rare variants affecting the CTCF gene are documented as a molecular cause of autosomal dominant "intellectual developmental disorder-21" (MRD21; OMIM:615502; PMID:31239556;36454652;28619046;37102286). Different amino acid change is described as a pathogenic variant (Variation IDs: 1325782, 1738942). To conclude, the variant is classified as likely pathogenic (ACMG PM2, PM5, PM1, PP2, PS2).

Literature cited by the submitters: PubMed 31239556; PubMed 36454652; PubMed 28619046; PubMed 37102286.

NM_006565.4(CTCF):c.1169A>G (p.Asp390Gly)

Gene: CTCF (CCCTC-binding factor; plus strand). Cytogenetic location: 16q22.1.
Variant type: single nucleotide variant.
Coding change: c.1169A>G on transcript NM_006565.4 (MANE Select); coding-DNA position 1169, A replaced by G.
Protein change: p.Asp390Gly; replaces aspartic acid 390 with glycine.
Molecular consequence: missense variant.
Genome position (GRCh38, 1-based): chr16:67,620,779, A>G. VCF-style: chr16-67620779-A-G. GRCh37 (hg19) VCF-style: chr16-67654682-A-G.
Other names: c.185A>G, p.Asp62Gly (NM_001191022.2); c.1169A>G, p.Asp390Gly (NM_001363916.2); short protein forms D390G, D62G.
Identifiers: ClinVar variation 3387773 (VCV003387773.2).
Genomic context (GRCh38, chr16:67,620,779, plus strand): 5'-TTCGCTCTCATACTGGAGAGCGTCCGTTTCAGTGCAGTTTGTGCAGTTATGCCAGCAGGG[A>G]CACATACAAGCTGAAAAGGCACATGAGAACCCATTCAGGTAGGACTTCTCCACTCCTTAC-3'
Protein context (NP_006556.1, residues 380-400): QCSLCSYASR[Asp390Gly]TYKLKRHMRT